The following is an entry in ClinVar:

ClinVar aggregate classification (germline): Uncertain significance. Review status: criteria provided, multiple submitters, no conflicts (2 of 4 stars). 2 submissions from 2 submitters: Uncertain significance (2). Last evaluated 2026-02-03.

Allele frequency attached by ClinVar (database versions not stated): ExAC 0.00010; ESP Exome Variant Server 0.00015; gnomAD 0.00019 and 0.00021; TOPMed 0.00022.
gnomAD v4.1: 119 of 1,613,464 alleles (0.0074%); highest among the groups gnomAD compares: African/African-American, 0.069%; no homozygotes.

Submissions (2):

Women's Health and Genetics/Laboratory Corporation of America, LabCorp
Classification: Uncertain significance. Last evaluated: 2026-02-03. Review status: criteria provided, single submitter. Criteria: LabCorp Variant Classification Summary - May 2015. Collection method: clinical testing. Allele origin: germline.
Comment: Variant summary: ARHGEF10 c.863G>A (p.Arg288His) results in a non-conservative amino acid change in the encoded protein sequence. Algorithms developed to predict the effect of missense changes on protein structure and function are either unavailable or do not agree on the potential impact of this missense change. The variant allele was found at a frequency of 9.5e-05 in 251458 control chromosomes. This frequency is not significantly higher than estimated for disease-causing variants in ARHGEF10, allowing no conclusion about variant significance. To our knowledge, no occurrence of c.863G>A in individuals affected with ARHGEF10-related conditions and no experimental evidence demonstrating its impact on protein function have been reported. ClinVar contains an entry for this variant (Variation ID: 1523749). Based on the evidence outlined above, the variant was classified as uncertain significance.

Labcorp Genetics (formerly Invitae), Labcorp
Classification: Uncertain significance. Last evaluated: 2025-03-13. Review status: criteria provided, single submitter. Criteria: Invitae Variant Classification Sherloc (09022015). Collection method: clinical testing. Allele origin: germline.
Comment: This sequence change replaces arginine, which is basic and polar, with histidine, which is basic and polar, at codon 288 of the ARHGEF10 protein (p.Arg288His). This variant is present in population databases (rs141641206, gnomAD 0.09%), and has an allele count higher than expected for a pathogenic variant. This variant has not been reported in the literature in individuals affected with ARHGEF10-related conditions. ClinVar contains an entry for this variant (Variation ID: 1523749). An algorithm developed to predict the effect of missense changes on protein structure and function (PolyPhen-2) suggests that this variant is likely to be disruptive. In summary, the available evidence is currently insufficient to determine the role of this variant in disease. Therefore, it has been classified as a Variant of Uncertain Significance.

NM_014629.4(ARHGEF10):c.863G>A (p.Arg288His)

Gene: ARHGEF10 (Rho guanine nucleotide exchange factor 10; plus strand). Cytogenetic location: 8p23.3.
Variant type: single nucleotide variant.
Coding change: c.863G>A on transcript NM_014629.4 (MANE Select); coding-DNA position 863, G replaced by A.
Protein change: p.Arg288His; replaces arginine 288 with histidine.
Molecular consequence: missense variant. On other transcripts: intron variant (1).
Genome position (GRCh38, 1-based): chr8:1,880,067, G>A. VCF-style: chr8-1880067-G-A. GRCh37 (hg19) VCF-style: chr8-1828233-G-A.
Other names: c.866G>A, p.Arg289His (NM_001308153.3); c.847-2568G>A (NM_001308152.2); short protein forms R313H, R288H, R289H.
Identifiers: ClinVar variation 1523749 (VCV001523749.9), dbSNP rs141641206, ClinGen allele CA4600089.